The following is an entry in ClinVar:

ClinVar aggregate classification (germline): Uncertain significance. Review status: criteria provided, multiple submitters, no conflicts (2 of 4 stars). 2 submissions from 2 submitters: Uncertain significance (2). Last evaluated 2025-03-20.

Conditions:
Inborn genetic diseases. Identifiers: MedGen C0950123, MeSH D030342.

Allele frequency attached by ClinVar (database versions not stated): TOPMed 0.00001; ExAC 0.00003; gnomAD 0.00003.
gnomAD v4.1: 23 of 1,613,384 alleles (0.0014%); highest among the groups gnomAD compares: Admixed American, 0.013%; no homozygotes.

Submissions (2):

Labcorp Genetics (formerly Invitae), Labcorp
Classification: Uncertain significance. Last evaluated: 2025-03-20. Review status: criteria provided, single submitter. Criteria: Invitae Variant Classification Sherloc (09022015). Collection method: clinical testing. Allele origin: germline.
Comment: This sequence change replaces asparagine, which is neutral and polar, with serine, which is neutral and polar, at codon 241 of the MYH3 protein (p.Asn241Ser). This variant is present in population databases (rs760944957, gnomAD 0.01%). This variant has not been reported in the literature in individuals affected with MYH3-related conditions. ClinVar contains an entry for this variant (Variation ID: 2765774). Invitae Evidence Modeling of protein sequence and biophysical properties (such as structural, functional, and spatial information, amino acid conservation, physicochemical variation, residue mobility, and thermodynamic stability) has been performed for this missense variant. However, the output from this modeling did not meet the statistical confidence thresholds required to predict the impact of this variant on MYH3 protein function. In summary, the available evidence is currently insufficient to determine the role of this variant in disease. Therefore, it has been classified as a Variant of Uncertain Significance.

Ambry Genetics
Classification: Uncertain significance for Inborn genetic diseases. Last evaluated: 2024-03-07. Review status: criteria provided, single submitter. Criteria: Ambry Variant Classification Scheme 2023. Collection method: clinical testing. Allele origin: germline.

NM_002470.4(MYH3):c.722A>G (p.Asn241Ser)

Gene: MYH3 (myosin heavy chain 3; minus strand). Cytogenetic location: 17p13.1.
Variant type: single nucleotide variant.
Coding change: c.722A>G on transcript NM_002470.4 (MANE Select); coding-DNA position 722, A replaced by G.
Protein change: p.Asn241Ser; replaces asparagine 241 with serine.
Molecular consequence: missense variant.
Genome position (GRCh38, 1-based): chr17:10,648,570, T>C on the plus strand (A>G on the coding strand, the complement: MYH3 is on the minus strand). VCF-style: chr17-10648570-T-C. GRCh37 (hg19) VCF-style: chr17-10551887-T-C.
Other names: c.722A>G (NM_002470.3); short protein forms N241S.
Identifiers: ClinVar variation 2765774 (VCV002765774.4), dbSNP rs760944957, ClinGen allele CA8393184.